The following is an entry in ClinVar:

NM_013314.4(BLNK):c.184G>C (p.Glu62Gln)

Gene: BLNK (B cell linker; minus strand). Cytogenetic location: 10q24.1.
Variant type: single nucleotide variant.
Coding change: c.184G>C on transcript NM_013314.4 (MANE Select); coding-DNA position 184, G replaced by C.
Protein change: p.Glu62Gln; replaces glutamic acid 62 with glutamine.
Molecular consequence: missense variant. On other transcripts: non-coding transcript variant (4).
Genome position (GRCh38, 1-based): chr10:96,230,814, C>G on the plus strand (G>C on the coding strand, the complement: BLNK is on the minus strand). VCF-style: chr10-96230814-C-G. GRCh37 (hg19) VCF-style: chr10-97990570-C-G.
Other names: c.184G>C, p.Glu62Gln (NM_001114094.2, NM_001258440.2, NM_001258441.2 and 1 more transcripts); short protein forms E62Q.
Identifiers: ClinVar variation 1933166 (VCV001933166.6), dbSNP rs1351358939, ClinGen allele CA377727127.

ClinVar aggregate classification (germline): Uncertain significance. Review status: criteria provided, multiple submitters, no conflicts (2 of 4 stars). 2 submissions from 2 submitters: Uncertain significance (2). Last evaluated 2025-01-09.

Conditions:
Agammaglobulinemia 4, autosomal recessive (AGM4). Also called: B cell linker protein deficiency; AGAMMAGLOBULINEMIA, AUTOSOMAL RECESSIVE, DUE TO BLNK DEFECT. Identifiers: MedGen C3150752, MONDO:0013289, OMIM 613502.
Inborn genetic diseases. Identifiers: MedGen C0950123, MeSH D030342.

Allele frequency attached by ClinVar (database versions not stated): TOPMed below 0.00001.

Submissions (2):

Ambry Genetics
Classification: Uncertain significance for Inborn genetic diseases. Last evaluated: 2025-01-09. Review status: criteria provided, single submitter. Criteria: Ambry Variant Classification Scheme 2023. Collection method: clinical testing. Allele origin: germline.

Labcorp Genetics (formerly Invitae), Labcorp
Classification: Uncertain significance for Agammaglobulinemia 4, autosomal recessive. Last evaluated: 2022-03-11. Review status: criteria provided, single submitter. Criteria: Invitae Variant Classification Sherloc (09022015). Collection method: clinical testing. Allele origin: germline.
Comment: In summary, the available evidence is currently insufficient to determine the role of this variant in disease. Therefore, it has been classified as a Variant of Uncertain Significance. Algorithms developed to predict the effect of missense changes on protein structure and function are either unavailable or do not agree on the potential impact of this missense change (SIFT: "Tolerated"; PolyPhen-2: "Probably Damaging"; Align-GVGD: "Class C0"). This variant has not been reported in the literature in individuals affected with BLNK-related conditions. This variant is not present in population databases (gnomAD no frequency). This sequence change replaces glutamic acid, which is acidic and polar, with glutamine, which is neutral and polar, at codon 62 of the BLNK protein (p.Glu62Gln).